The following is an entry in ClinVar:

ClinVar aggregate classification (germline): Likely pathogenic. Review status: criteria provided, single submitter (1 of 4 stars). 2 submissions from 2 submitters: Likely pathogenic (1). 1 of the submissions does not count toward it. Last evaluated 2025-09-26.

Conditions:
Hemolytic uremic syndrome, atypical, susceptibility to, 7. Also called: AHUS, SUSCEPTIBILITY TO, 7. Identifiers: MedGen C3808620, MONDO:0100590.
Atypical hemolytic-uremic syndrome. Identifiers: Orphanet 2134, MedGen C2931788, MONDO:0016244.

Submissions (2):

Genomenon, Inc
Classification: Likely pathogenic for Atypical hemolytic-uremic syndrome. Last evaluated: 2025-09-26. Review status: criteria provided, single submitter. Criteria: Genomenon Sequence Variant Interpretation Standards - Updated. Collection method: curation. Allele origin: germline. Affected: yes.
Comment: DGKE p.Arg63Pro (c.188G>C) is a missense variant that changes the amino acid at residue 63 from Arginine to Proline. This variant has been observed in at least one proband affected with atypical hemolytic-uremic syndrome (PMID:23542698). The variant was found to segregate with disease in at least one affected family (PMID:23542698). It has been observed in trans with a pathogenic variant (PMID:23542698). It is absent or not present at a significant frequency in gnomAD. In conclusion, we classify DGKE p.Arg63Pro (c.188G>C) as a likely pathogenic variant.

OMIM
Classification: risk factor for HEMOLYTIC UREMIC SYNDROME, ATYPICAL, SUSCEPTIBILITY TO, 7. Last evaluated: 2013-05-01. Review status: no assertion criteria provided. Collection method: literature only. Allele origin: germline. Not counted in ClinVar's aggregate classification.

Literature cited by the submitters: PubMed 23542698 (cited by Genomenon, Inc and OMIM).

NM_003647.2(DGKE):c.188G>C (p.Arg63Pro)

Gene: DGKE (diacylglycerol kinase epsilon; plus strand). Cytogenetic location: 17q22.
Variant type: single nucleotide variant.
Coding change: c.188G>C on transcript NM_003647.2; coding-DNA position 188, G replaced by C.
Protein change: p.Arg63Pro; replaces arginine 63 with proline.
Molecular consequence: missense variant (on NM_003647.3).
Genome position (GRCh38, 1-based): chr17:56,834,983, G>C. VCF-style: chr17-56834983-G-C. GRCh37 (hg19) VCF-style: chr17-54912344-G-C.
Other names: c.188G>C, p.Arg63Pro (NM_003647.3); short protein forms R63P.
Identifiers: ClinVar variation 50788 (VCV000050788.2), dbSNP rs312262694, ClinGen allele CA143786.